The following is an entry in ClinVar:

ClinVar aggregate classification (germline): Uncertain significance (1 of 4 stars; one submission).

Allele frequency attached by ClinVar (database versions not stated): gnomAD exomes below 0.00001; ExAC 0.00001; gnomAD 0.00001.
gnomAD v4.1: 7 of 1,614,050 alleles (0.00043%); highest among the groups gnomAD compares: Non-Finnish European, 0.00059%; no homozygotes.

Submission:

Labcorp Genetics (formerly Invitae), Labcorp
Classification: Uncertain significance. Last evaluated: 2023-08-14. Review status: criteria provided, single submitter. Criteria: Invitae Variant Classification Sherloc (09022015). Collection method: clinical testing. Allele origin: germline.
Comment: In summary, the available evidence is currently insufficient to determine the role of this variant in disease. Therefore, it has been classified as a Variant of Uncertain Significance. This sequence change replaces isoleucine, which is neutral and non-polar, with valine, which is neutral and non-polar, at codon 128 of the IGF1R protein (p.Ile128Val). This variant is present in population databases (rs758659893, gnomAD 0.002%). This variant has not been reported in the literature in individuals affected with IGF1R-related conditions. Advanced modeling of protein sequence and biophysical properties (such as structural, functional, and spatial information, amino acid conservation, physicochemical variation, residue mobility, and thermodynamic stability) performed at Invitae indicates that this missense variant is not expected to disrupt IGF1R protein function.

NM_000875.5(IGF1R):c.382A>G (p.Ile128Val)

Gene: IGF1R (insulin like growth factor 1 receptor; plus strand). Cytogenetic location: 15q26.3.
Variant type: single nucleotide variant.
Coding change: c.382A>G on transcript NM_000875.5 (MANE Select); coding-DNA position 382, A replaced by G.
Protein change: p.Ile128Val; replaces isoleucine 128 with valine.
Molecular consequence: missense variant.
Genome position (GRCh38, 1-based): chr15:98,707,849, A>G. VCF-style: chr15-98707849-A-G. GRCh37 (hg19) VCF-style: chr15-99251078-A-G.
Other names: c.382A>G, p.Ile128Val (NM_001291858.2); short protein forms I128V.
Identifiers: ClinVar variation 2984650 (VCV002984650.3), dbSNP rs758659893, ClinGen allele CA7751786.